The following is an entry in ClinVar:

ClinVar aggregate classification (germline): Uncertain significance (1 of 4 stars; one submission).

Conditions:
Dyskeratosis congenita. Identifiers: Orphanet 1775, MedGen C0265965, MONDO:0015780.

Submission:

Labcorp Genetics (formerly Invitae), Labcorp
Classification: Uncertain significance for Dyskeratosis congenita. Last evaluated: 2025-08-15. Review status: criteria provided, single submitter. Criteria: Invitae Variant Classification Sherloc (09022015). Collection method: clinical testing. Allele origin: germline.
Comment: This sequence change replaces proline, which is neutral and non-polar, with arginine, which is basic and polar, at codon 842 of the CTC1 protein (p.Pro842Arg). This variant is not present in population databases (gnomAD no frequency). This variant has not been reported in the literature in individuals affected with CTC1-related conditions. ClinVar contains an entry for this variant (Variation ID: 2793760). Invitae Evidence Modeling of protein sequence and biophysical properties (such as structural, functional, and spatial information, amino acid conservation, physicochemical variation, residue mobility, and thermodynamic stability) has been performed for this missense variant. However, the output from this modeling did not meet the statistical confidence thresholds required to predict the impact of this variant on CTC1 protein function. In summary, the available evidence is currently insufficient to determine the role of this variant in disease. Therefore, it has been classified as a Variant of Uncertain Significance.

NM_025099.6(CTC1):c.2525C>G (p.Pro842Arg)

Gene: CTC1 (CST telomere replication complex component 1; minus strand). Cytogenetic location: 17p13.1.
Variant type: single nucleotide variant.
Coding change: c.2525C>G on transcript NM_025099.6 (MANE Select); coding-DNA position 2525, C replaced by G.
Protein change: p.Pro842Arg; replaces proline 842 with arginine.
Molecular consequence: missense variant. On other transcripts: non-coding transcript variant (1).
Genome position (GRCh38, 1-based): chr17:8,231,420, G>C on the plus strand (C>G on the coding strand, the complement: CTC1 is on the minus strand). VCF-style: chr17-8231420-G-C. GRCh37 (hg19) VCF-style: chr17-8134738-G-C.
Other names: c.2525C>G, p.Pro842Arg (NM_001411067.1); short protein forms P842R.
Identifiers: ClinVar variation 2793760 (VCV002793760.3), dbSNP rs2507890824, ClinGen allele CA397976142.